The following is an entry in ClinVar:

NM_000256.3(MYBPC3):c.227A>T (p.Gln76Leu)

Gene: MYBPC3 (myosin binding protein C3; minus strand). Cytogenetic location: 11p11.2.
Variant type: single nucleotide variant.
Coding change: c.227A>T on transcript NM_000256.3 (MANE Select); coding-DNA position 227, A replaced by T.
Protein change: p.Gln76Leu; replaces glutamine 76 with leucine.
Molecular consequence: missense variant.
Genome position (GRCh38, 1-based): chr11:47,351,304, T>A on the plus strand (A>T on the coding strand, the complement: MYBPC3 is on the minus strand). VCF-style: chr11-47351304-T-A. GRCh37 (hg19) VCF-style: chr11-47372855-T-A.
Other names: short protein forms Q76L.
Identifiers: ClinVar variation 3073094 (VCV003073094.2), dbSNP rs2495785929, ClinGen allele CA380341676.
Genomic context (GRCh38, chr11:47,351,304, plus strand): 5'-TCTATGACCTTGAGGTCGAACTTGACCTTGGAGGAGCCAGCAATGACTGCGTAAGATCCC[T>A]GGTCGGCAGGGCCCACTTCCCGCACTGTCAGCGTATGCCGTGTGCCCTCTGTGGCCAGGC-3'
Protein context (NP_000247.2, residues 66-86): LTVREVGPAD[Gln76Leu]GSYAVIAGSS

ClinVar aggregate classification (germline): Uncertain significance. Review status: criteria provided, multiple submitters, no conflicts (2 of 4 stars). 2 submissions from 2 submitters: Uncertain significance (2). Last evaluated 2024-07-28.

Conditions:
Hypertrophic cardiomyopathy. Also called: HYPERTROPHIC MYOCARDIOPATHY. Identifiers: Orphanet 217569, MedGen C0007194, MeSH D002312, MONDO:0005045, HP:0001639.
Cardiovascular phenotype. Identifiers: MedGen CN230736.

Submissions (2):

Ambry Genetics
Classification: Uncertain significance for Cardiovascular phenotype. Last evaluated: 2024-07-28. Review status: criteria provided, single submitter. Criteria: Ambry Variant Classification Scheme 2023. Collection method: clinical testing. Allele origin: germline.
Comment: The p.Q76L variant (also known as c.227A>T), located in coding exon 2 of the MYBPC3 gene, results from an A to T substitution at nucleotide position 227. The glutamine at codon 76 is replaced by leucine, an amino acid with dissimilar properties. This amino acid position is conserved. In addition, the in silico prediction for this alteration is inconclusive. Based on the available evidence, the clinical significance of this variant remains unclear.

All of Us Research Program, National Institutes of Health
Classification: Uncertain significance for Hypertrophic cardiomyopathy. Last evaluated: 2023-11-30. Review status: criteria provided, single submitter. Criteria: ACMG Guidelines, 2015. Collection method: clinical testing. Allele origin: germline. Inheritance: Autosomal dominant inheritance. Observed: 1 variant allele, 1 heterozygote.
Comment: This study involves interpretation of variants in research participants for the purpose of population health screening. Participant phenotype was not available at the time of variant classification. Additional details can be found in publication PMID: 35346344, PMCID: PMC8962531